The following is an entry in ClinVar:

ClinVar aggregate classification (germline): Uncertain significance (1 of 4 stars; one submission).

Submission:

GeneDx
Classification: Uncertain significance. Last evaluated: 2026-05-05. Review status: criteria provided, single submitter. Criteria: GeneDx Variant Classification Process June 2021. Collection method: clinical testing. Allele origin: germline.
Comment: Not observed at significant frequency in large population cohorts (gnomAD); In silico analysis supports that this missense variant has a deleterious effect on protein structure/function; Has not been previously published as pathogenic or benign to our knowledge

NM_000844.4(GRM7):c.1070A>G (p.Asn357Ser)

Gene: GRM7 (glutamate metabotropic receptor 7; plus strand). Cytogenetic location: 3p26.1.
Variant type: single nucleotide variant.
Coding change: c.1070A>G on transcript NM_000844.4 (MANE Select); coding-DNA position 1070, A replaced by G.
Protein change: p.Asn357Ser; replaces asparagine 357 with serine.
Molecular consequence: missense variant.
Genome position (GRCh38, 1-based): chr3:7,415,059, A>G. VCF-style: chr3-7415059-A-G. GRCh37 (hg19) VCF-style: chr3-7456746-A-G.
Other names: c.1070A>G, p.Asn357Ser (NM_181874.3); short protein forms N357S.
Identifiers: ClinVar variation 3766373 (VCV003766373.2).